The following is an entry in ClinVar:

ClinVar aggregate classification (germline): Benign (1 of 4 stars; one submission).

Conditions:
Obesity due to SIM1 deficiency. Identifiers: Orphanet 369873, MedGen C5191050, MONDO:0018244.

Allele frequency attached by ClinVar (database versions not stated): gnomAD exomes 0.00136; gnomAD 0.01097 and 0.01179; TOPMed 0.01196; 1000 Genomes Project 0.01198; 1000 Genomes Project 30x 0.01249.
gnomAD v4.1: 2,007 of 381,984 alleles (0.53%); highest among the groups gnomAD compares: African/African-American, 3.8%; 41 homozygotes.

Submission:

Illumina Laboratory Services, Illumina
Classification: Benign for Obesity due to SIM1 deficiency. Last evaluated: 2018-01-12. Review status: criteria provided, single submitter. Criteria: ICSL Variant Classification Criteria 13 December 2019. Collection method: clinical testing. Allele origin: germline.
Comment: This variant was observed in the ICSL laboratory as part of a predisposition screen in an ostensibly healthy population. It had not been previously curated by ICSL or reported in the Human Gene Mutation Database (HGMD: prior to June 1st, 2018), and was therefore a candidate for classification through an automated scoring system. Utilizing variant allele frequency, disease prevalence and penetrance estimates, and inheritance mode, an automated score was calculated to assess if this variant is too frequent to cause the disease. Based on the score and internal cut-off values, a variant classified as benign is not then subjected to further curation. The score for this variant resulted in a classification of benign for this disease.

NM_005068.3(SIM1):c.*375C>T

Gene: SIM1 (SIM bHLH transcription factor 1; minus strand). Cytogenetic location: 6q16.3.
Variant type: single nucleotide variant.
Coding change: c.*375C>T on transcript NM_005068.3 (MANE Select); 375 bases downstream of the stop codon, C replaced by T.
Molecular consequence: 3 prime UTR variant.
Genome position (GRCh38, 1-based): chr6:100,389,986, G>A on the plus strand (C>T on the coding strand, the complement: SIM1 is on the minus strand). VCF-style: chr6-100389986-G-A. GRCh37 (hg19) VCF-style: chr6-100837862-G-A.
Other names: c.*375C>T (NM_001374769.1).
Identifiers: ClinVar variation 354669 (VCV000354669.5), dbSNP rs114523604, ClinGen allele CA10622500.
Genomic context (GRCh38, chr6:100,389,986, plus strand): 5'-TACCCATTTTTGATGTATTTACATTACATAGCCTATATTTCCATATGTAAAATGTATACC[G>A]CAGTTTGTAAGTAATAGTTTGTGTGTTTGAGGATCACTGGATAGTCACAATGCAATGTTG-3'